The following is an entry in ClinVar:

NM_000388.4(CASR):c.2363T>G (p.Phe788Cys)

Gene: CASR (calcium sensing receptor; plus strand). Cytogenetic location: 3q21.1.
Variant type: single nucleotide variant.
Coding change: c.2363T>G on transcript NM_000388.4 (MANE Select); coding-DNA position 2363, T replaced by G.
Protein change: p.Phe788Cys; replaces phenylalanine 788 with cysteine.
Molecular consequence: missense variant.
Genome position (GRCh38, 1-based): chr3:122,284,317, T>G. VCF-style: chr3-122284317-T-G. GRCh37 (hg19) VCF-style: chr3-122003164-T-G.
Other names: c.2393T>G, p.Phe798Cys (NM_001178065.2); c.2393T>G (NM_001178065.1); short protein forms F788C, F798C.
Identifiers: ClinVar variation 8336 (VCV000008336.12), dbSNP rs104893701, ClinGen allele CA119509.

ClinVar aggregate classification (germline): Pathogenic. Review status: criteria provided, multiple submitters, no conflicts (2 of 4 stars). 6 submissions from 6 submitters: Pathogenic (4). 2 of the submissions do not count toward it. Last evaluated 2025-01-10.

Conditions:
CASR-related disorder. Also called: CASR-related condition.
Familial hypocalciuric hypercalcemia (FHH). Also called: Familial benign hypercalcemia. Identifiers: Orphanet 405, MedGen C1809471, MONDO:0018458.
Autosomal dominant hypocalcemia 1 (HYPOC1). Also called: HYPOCALCEMIA, FAMILIAL. Identifiers: MedGen C3715128, MONDO:0011013, OMIM 601198.
Nephrolithiasis/nephrocalcinosis. Identifiers: MedGen CN580796.

Submissions (6):

PreventionGenetics, part of Exact Sciences
Classification: Pathogenic for CASR-related condition. Last evaluated: 2025-01-10. Review status: criteria provided, single submitter. Criteria: ACMG Guidelines, 2015. Collection method: clinical testing. Allele origin: germline.
Comment: The CASR c.2393T>G variant is predicted to result in the amino acid substitution p.Phe798Cys. This variant, also referred as c.2363T>G (p.Phe788Cys) in alternate transcript NM_000388, has been reported in several individuals with hypoparathyroidism (see for example: Watanabe et al. 1998. PubMed ID: 9661634; Rossi et al. 2019. PubMed ID: 31763346; Kinoshita et al. 2013. PubMed ID: 24297799; Elston et al. 2022. PubMed ID: 35402765; Ali et al. 2023. PubMed ID: 37654565). This variant was reported to have occurred de novo in one patient with severe hypocalcemia (Mora et al. 2006. PubMed ID: 16333828). Functional studies in HEK293 cells indicated that the p.Phe798Cys variant as an activating variant and resulted in CASR being more responsive to increases in extracellular calcium (Hu et al. 2002. PubMed ID: 12297503; Huang et al. 2007. PubMed ID: 17284438; Kinoshita et al. 2013. PubMed ID: 24297799). This variant has not been reported in a large population database (gnomAD), indicating this variant is rare and is interpreted as pathogenic in the ClinVar database. A different missense change that impacts the same amino acid (c.2392T>C, p.Phe798Leu) was reported to segregate in a family with hypoparathyroidism and was demonstrated in vitro to be an activating variant (Reported as F788L, Hendy et al. 2003. PubMed ID: 12915654). Taken together, the c.2393T>G (p.Phe798Cys) variant is interpreted as pathogenic.

Revvity Omics, Revvity
Classification: Pathogenic. Last evaluated: 2024-08-27. Review status: criteria provided, single submitter. Criteria: ACMG Guidelines, 2015. Collection method: clinical testing. Allele origin: germline.

Labcorp Genetics (formerly Invitae), Labcorp
Classification: Pathogenic for Familial hypocalciuric hypercalcemia; Autosomal dominant hypocalcemia 1. Last evaluated: 2024-05-06. Review status: criteria provided, single submitter. Criteria: Invitae Variant Classification Sherloc (09022015). Collection method: clinical testing. Allele origin: germline.
Comment: This sequence change replaces phenylalanine, which is neutral and non-polar, with cysteine, which is neutral and slightly polar, at codon 788 of the CASR protein (p.Phe788Cys). This variant is not present in population databases (gnomAD no frequency). This missense change has been observed in individuals with autosomal dominant hypocalcemia (PMID: 9661634, 26323216). It has also been observed to segregate with disease in related individuals. ClinVar contains an entry for this variant (Variation ID: 8336). An algorithm developed to predict the effect of missense changes on protein structure and function (PolyPhen-2) suggests that this variant is likely to be disruptive. Experimental studies have shown that this missense change affects CASR function (PMID: 9661634, 17284438, 19389809, 24297799). For these reasons, this variant has been classified as Pathogenic.

Ambry Genetics
Classification: Pathogenic for Nephrolithiasis/nephrocalcinosis. Last evaluated: 2024-03-04. Review status: criteria provided, single submitter. Criteria: Ambry Variant Classification Scheme 2023. Collection method: clinical testing. Allele origin: germline.
Comment: The c.2363T>G (p.F788C) alteration is located in exon 7 (coding exon 6) of the CASR gene. This alteration results from a T to G substitution at nucleotide position 2363, causing the phenylalanine (F) at amino acid position 788 to be replaced by a cysteine (C). Based on the available evidence, the CASR c.2363T>G (p.F788C) alteration is classified as pathogenic for autosomal dominant CASR-related hypocalcemia; however, it is unlikely to be causative of autosomal recessive neonatal hyperparathyroidism and autosomal dominant hypocalciuric hypercalcemia. This variant was not reported in population-based cohorts in the Genome Aggregation Database (gnomAD). This variant was reported in multiple individuals with features consistent with CASR-related hypocalcemia, including at least one de novo occurrence (Ali, 2023; Elston, 2022; Wang, 2019; Rossi, 2019; Kinoshita, 2014; Watanabe, 1998; Mora, 2006). This amino acid position is highly conserved in available vertebrate species. In vitro functional studies showed that this variant increases the sensitivity to extracellular calcium (Watanabe, 1998; Hu, 2002; Kinoshita, 2014). This alteration is predicted to be deleterious by in silico analysis. Based on the available evidence, this alteration is classified as pathogenic.

Sydney Genome Diagnostics, Children's Hospital Westmead
Classification: Pathogenic for Autosomal dominant hypocalcemia 1. Last evaluated: 2018-07-18. Review status: no assertion criteria provided. Collection method: clinical testing. Allele origin: unknown. Affected: yes. Observed: 1 variant allele, 1 heterozygote. Not counted in ClinVar's aggregate classification.
Comment: This variant has been reported multiple individuals with autosomal dominant hypoparathyroidism and hypocalcaemia (Watanabe et al 1998 J Clin Endocrinol Metab. 83: 2497-2502; Kinoshita et al 2014 J Clin Endocrinol Metab. 99: E363-E368). In vitro analyses showed gain-of-function of the CaSR protein as a result of the p.Phe788Cys substitution, similar to other CASR variants associated with autosomal dominant hypocalcaemia (Watanabe et al 1998; Kinoshita et al 2014). The variant has not been reported in any population databases (i.e. gnomAD, ExAC, ESP or dbSNP). In silico analysis of pathogenicity (through Alamut Visual v2.8.1) using PolyPhen2, SIFT and MutationTaster suggest that this variant is likely to be pathogenic. This variant is considered to be pathogenic according to the ACMG guidelines.

OMIM
Classification: Pathogenic for HYPOCALCEMIA, AUTOSOMAL DOMINANT 1. Last evaluated: 1998-07-01. Review status: no assertion criteria provided. Collection method: literature only. Allele origin: germline. Not counted in ClinVar's aggregate classification.

Literature cited by the submitters: PubMed 9661634 (cited by 3 submitters); PubMed 26323216 (cited by Labcorp Genetics (formerly Invitae), Labcorp); PubMed 17284438 (cited by Labcorp Genetics (formerly Invitae), Labcorp); PubMed 19389809 (cited by Labcorp Genetics (formerly Invitae), Labcorp); PubMed 24297799 (cited by Labcorp Genetics (formerly Invitae), Labcorp and Ambry Genetics); PubMed 12297503 (cited by Ambry Genetics); PubMed 16333828 (cited by Ambry Genetics); PubMed 31433868 (cited by Ambry Genetics); PubMed 31763346 (cited by Ambry Genetics); PubMed 35402765 (cited by Ambry Genetics); PubMed 37654565 (cited by Ambry Genetics).